The following is an entry in ClinVar:

NM_022436.3(ABCG5):c.1825A>G (p.Ile609Val)

Genes: ABCG5 (ATP binding cassette subfamily G member 5; minus strand), DYNC2LI1 (dynein cytoplasmic 2 light intermediate chain 1; plus strand). Cytogenetic location: 2p21.
Variant type: single nucleotide variant.
Coding change: c.1825A>G on transcript NM_022436.3 (MANE Select); coding-DNA position 1825, A replaced by G.
Protein change: p.Ile609Val; replaces isoleucine 609 with valine.
Molecular consequence: missense variant. On other transcripts: intron variant (2).
Genome position (GRCh38, 1-based): chr2:43,813,247, T>C on the plus strand (A>G on the coding strand, the complement: ABCG5 is on the minus strand). VCF-style: chr2-43813247-T-C. GRCh37 (hg19) VCF-style: chr2-44040386-T-C.
Other names: c.*15+2723T>C (NM_001348913.2, NM_001348912.2); short protein forms I609V.
Identifiers: ClinVar variation 1780830 (VCV001780830.2), dbSNP rs199967611, ClinGen allele CA1636144.

ClinVar aggregate classification (germline): Uncertain significance (1 of 4 stars; one submission).

Conditions:
Cardiovascular phenotype. Identifiers: MedGen CN230736.

Allele frequency attached by ClinVar (database versions not stated): 1000 Genomes Project 0.00020; gnomAD exomes 0.00002; 1000 Genomes Project 30x 0.00031; gnomAD 0.00001; ExAC 0.00002.
gnomAD v4.1: 24 of 1,613,956 alleles (0.0015%); highest among the groups gnomAD compares: Middle Eastern, 0.016%; no homozygotes.

Submission:

Ambry Genetics
Classification: Uncertain significance for Cardiovascular phenotype. Last evaluated: 2022-07-27. Review status: criteria provided, single submitter. Criteria: Ambry Variant Classification Scheme 2023. Collection method: clinical testing. Allele origin: germline.
Comment: The p.I609V variant (also known as c.1825A>G), located in coding exon 13 of the ABCG5 gene, results from an A to G substitution at nucleotide position 1825. The isoleucine at codon 609 is replaced by valine, an amino acid with highly similar properties. This amino acid position is conserved. In addition, the in silico prediction for this alteration is inconclusive. Since supporting evidence is limited at this time, the clinical significance of this alteration remains unclear.